The following is an entry in ClinVar:

NM_001105247.2(ARMC5):c.1864+66A>G

Gene: ARMC5 (armadillo repeat containing 5; plus strand). Cytogenetic location: 16p11.2.
Variant type: single nucleotide variant.
Coding change: c.1864+66A>G on transcript NM_001105247.2 (MANE Select); 66 bases into the intron after coding-DNA position 1864, A replaced by G.
Molecular consequence: intron variant. On other transcripts: missense variant (1).
Genome position (GRCh38, 1-based): chr16:31,464,953, A>G. VCF-style: chr16-31464953-A-G. GRCh37 (hg19) VCF-style: chr16-31476274-A-G.
Other names: c.1930A>G, p.Met644Val (NM_024742.2); c.2149+66A>G (NM_001288767.2); c.1960+66A>G (NM_001301820.1); short protein forms M644V.
Identifiers: ClinVar variation 3056288 (VCV003056288.3), dbSNP rs201380940, ClinGen allele CA8029816.

ClinVar aggregate classification (germline): Likely benign. Review status: criteria provided, single submitter (1 of 4 stars). 2 submissions from 2 submitters: Likely benign (1). 1 of the submissions does not count toward it. Last evaluated 2024-08-05.

Conditions:
ARMC5-related disorder. Also called: ARMC5-related condition.

Allele frequency attached by ClinVar (database versions not stated): gnomAD exomes 0.00011; ESP Exome Variant Server 0.00016; gnomAD 0.00030; ExAC 0.00035; TOPMed 0.00038; 1000 Genomes Project 30x 0.00094; 1000 Genomes Project 0.00100.

Submissions (2):

Blueprint Genetics
Classification: Likely benign. Last evaluated: 2024-08-05. Review status: criteria provided, single submitter. Criteria: ACMG Guidelines, 2015. Collection method: clinical testing. Allele origin: germline.

PreventionGenetics, part of Exact Sciences
Classification: Benign for ARMC5-related condition. Last evaluated: 2019-06-17. Review status: no assertion criteria provided. Collection method: clinical testing. Allele origin: germline. Not counted in ClinVar's aggregate classification.
Comment: This variant is classified as benign based on ACMG/AMP sequence variant interpretation guidelines (Richards et al. 2015 PMID: 25741868, with internal and published modifications).